The following is an entry in ClinVar:

NM_032043.3(BRIP1):c.2605C>G (p.Gln869Glu)

Gene: BRIP1 (BRCA1 interacting DNA helicase 1; minus strand). Cytogenetic location: 17q23.2.
Variant type: single nucleotide variant.
Coding change: c.2605C>G on transcript NM_032043.3 (MANE Select); coding-DNA position 2605, C replaced by G.
Protein change: p.Gln869Glu; replaces glutamine 869 with glutamic acid.
Molecular consequence: missense variant.
Genome position (GRCh38, 1-based): chr17:61,686,136, G>C on the plus strand (C>G on the coding strand, the complement: BRIP1 is on the minus strand). VCF-style: chr17-61686136-G-C. GRCh37 (hg19) VCF-style: chr17-59763497-G-C.
Other names: short protein forms Q869E.
Identifiers: ClinVar variation 407847 (VCV000407847.18), dbSNP rs1060501766, ClinGen allele CA16615784.

ClinVar aggregate classification (germline): Uncertain significance. Review status: criteria provided, multiple submitters, no conflicts (2 of 4 stars). 3 submissions from 3 submitters: Uncertain significance (3). Last evaluated 2025-02-01.

Conditions:
Hereditary cancer-predisposing syndrome. Also called: Hereditary neoplastic syndrome; Neoplastic Syndromes, Hereditary; Tumor predisposition; Hereditary Cancer Syndrome. Identifiers: Orphanet 140162, MedGen C0027672, MeSH D009386, MONDO:0015356.
Familial cancer of breast. Also called: Hereditary breast cancer; hereditary breast carcinoma; BREAST CANCER, FAMILIAL. Identifiers: Orphanet 227535, MedGen C0346153, MONDO:0016419, OMIM 114480. Disease mechanism: loss of function.
Fanconi anemia complementation group J. Also called: BRIP1-Related Fanconi Anemia. Identifiers: Orphanet 84, MedGen C1836860, MONDO:0012187, OMIM 609054.

Allele frequency attached by ClinVar (database versions not stated): gnomAD exomes below 0.00001.
gnomAD v4.1: 3 of 1,614,080 alleles (0.00019%); highest among the groups gnomAD compares: South Asian, 0.0011%; no homozygotes.

Submissions (3):

Ambry Genetics
Classification: Uncertain significance for Hereditary cancer-predisposing syndrome. Last evaluated: 2025-02-01. Review status: criteria provided, single submitter. Criteria: Ambry Variant Classification Scheme 2023. Collection method: clinical testing. Allele origin: germline.
Comment: The p.Q869E variant (also known as c.2605C>G), located in coding exon 18 of the BRIP1 gene, results from a C to G substitution at nucleotide position 2605. The glutamine at codon 869 is replaced by glutamic acid, an amino acid with highly similar properties. This amino acid position is well conserved in available vertebrate species. In addition, this alteration is predicted to be tolerated by in silico analysis. Since supporting evidence is limited at this time, the clinical significance of this alteration remains unclear.

Labcorp Genetics (formerly Invitae), Labcorp
Classification: Uncertain significance for Familial cancer of breast; Fanconi anemia complementation group J. Last evaluated: 2024-05-21. Review status: criteria provided, single submitter. Criteria: Invitae Variant Classification Sherloc (09022015). Collection method: clinical testing. Allele origin: germline.
Comment: This sequence change replaces glutamine, which is neutral and polar, with glutamic acid, which is acidic and polar, at codon 869 of the BRIP1 protein (p.Gln869Glu). This variant is present in population databases (no rsID available, gnomAD 0.0009%). This variant has not been reported in the literature in individuals affected with BRIP1-related conditions. ClinVar contains an entry for this variant (Variation ID: 407847). Advanced modeling of protein sequence and biophysical properties (such as structural, functional, and spatial information, amino acid conservation, physicochemical variation, residue mobility, and thermodynamic stability) performed at Invitae indicates that this missense variant is not expected to disrupt BRIP1 protein function with a negative predictive value of 80%. In summary, the available evidence is currently insufficient to determine the role of this variant in disease. Therefore, it has been classified as a Variant of Uncertain Significance.

Color Diagnostics, LLC DBA Color Health
Classification: Uncertain significance for Hereditary cancer-predisposing syndrome. Last evaluated: 2024-03-06. Review status: criteria provided, single submitter. Criteria: ACMG Guidelines, 2015. Collection method: clinical testing. Allele origin: germline.
Comment: This missense variant replaces glutamine with glutamic acid at codon 869 of the BRIP1 protein. Computational prediction suggests that this variant may not impact protein structure and function (internally defined REVEL score threshold <= 0.5, PMID: 27666373). To our knowledge, functional studies have not been reported for this variant. This variant has not been reported in individuals affected with BRIP1-related disorders in the literature. This variant has been identified in 1/250784 chromosomes in the general population by the Genome Aggregation Database (gnomAD). The available evidence is insufficient to determine the role of this variant in disease conclusively. Therefore, this variant is classified as a Variant of Uncertain Significance.